The following is an entry in ClinVar:

ClinVar aggregate classification (germline): Uncertain significance (1 of 4 stars; one submission).

gnomAD v4.1: 3 of 1,614,158 alleles (0.00019%); highest among the groups gnomAD compares: African/African-American, 0.0013%; no homozygotes.

Submission:

Labcorp Genetics (formerly Invitae), Labcorp
Classification: Uncertain significance. Last evaluated: 2025-07-31. Review status: criteria provided, single submitter. Criteria: Invitae Variant Classification Sherloc (09022015). Collection method: clinical testing. Allele origin: germline.
Comment: This sequence change replaces aspartic acid, which is acidic and polar, with tyrosine, which is neutral and polar, at codon 731 of the ACO2 protein (p.Asp731Tyr). This variant is not present in population databases (gnomAD no frequency). This variant has not been reported in the literature in individuals affected with ACO2-related conditions. Invitae Evidence Modeling of protein sequence and biophysical properties (such as structural, functional, and spatial information, amino acid conservation, physicochemical variation, residue mobility, and thermodynamic stability) indicates that this missense variant is not expected to disrupt ACO2 protein function with a negative predictive value of 80%. In summary, the available evidence is currently insufficient to determine the role of this variant in disease. Therefore, it has been classified as a Variant of Uncertain Significance.

NM_001098.3(ACO2):c.2191G>T (p.Asp731Tyr)

Genes: ACO2 (aconitase 2; plus strand), POLR3H (RNA polymerase III subunit H; minus strand). Cytogenetic location: 22q13.2.
Variant type: single nucleotide variant.
Coding change: c.2191G>T on transcript NM_001098.3 (MANE Select); coding-DNA position 2191, G replaced by T.
Protein change: p.Asp731Tyr; replaces aspartic acid 731 with tyrosine.
Molecular consequence: missense variant. On other transcripts: 3 prime UTR variant (5).
Genome position (GRCh38, 1-based): chr22:41,528,005, G>T. VCF-style: chr22-41528005-G-T. GRCh37 (hg19) VCF-style: chr22-41924009-G-T.
Other names: c.*1278C>A (NM_001018050.4, NM_001018052.4, NM_001282884.2 and 2 more transcripts); short protein forms D731Y.
Identifiers: ClinVar variation 4744497 (VCV004744497.1).